The following is an entry in ClinVar:

NM_003072.5(SMARCA4):c.1120C>G (p.Leu374Val)

Gene: SMARCA4 (SWI/SNF related BAF chromatin remodeling complex subunit ATPase 4; plus strand). Cytogenetic location: 19p13.2.
Variant type: single nucleotide variant.
Coding change: c.1120C>G on transcript NM_003072.5 (MANE Select); coding-DNA position 1120, C replaced by G.
Protein change: p.Leu374Val; replaces leucine 374 with valine.
Molecular consequence: missense variant. On other transcripts: non-coding transcript variant (1).
Genome position (GRCh38, 1-based): chr19:10,989,318, C>G. VCF-style: chr19-10989318-C-G. GRCh37 (hg19) VCF-style: chr19-11099994-C-G.
Other names: c.1120C>G (NM_001128849.1); c.1120C>G, p.Leu374Val (NM_001128844.3, NM_001128845.2, NM_001128846.2 and 6 more transcripts); short protein forms L374V.
Identifiers: ClinVar variation 2084234 (VCV002084234.5), dbSNP rs2145846474, ClinGen allele CA404059349.
Genomic context (GRCh38, chr19:10,989,318, plus strand): 5'-CTGTAACTGGGTGCCCTGGCAACCCTCTCACCGCCTTTGCTCCTTGTCTCTGCTCCCAGG[C>G]TGCAGGCTCGCATCGCACACCGAATTCAGGAACTTGAAAACCTTCCCGGGTCCCTGGCCG-3'
Protein context (NP_003063.2, residues 364-384): VEILQEREYR[Leu374Val]QARIAHRIQE

ClinVar aggregate classification (germline): Uncertain significance. Review status: criteria provided, multiple submitters, no conflicts (2 of 4 stars). 2 submissions from 2 submitters: Uncertain significance (2). Last evaluated 2024-11-10.

Conditions:
Hereditary cancer-predisposing syndrome. Also called: Tumor predisposition; Neoplastic Syndromes, Hereditary; Hereditary Cancer Syndrome; Hereditary neoplastic syndrome. Identifiers: Orphanet 140162, MedGen C0027672, MeSH D009386, MONDO:0015356.
Rhabdoid tumor predisposition syndrome 2 (RTPS2). Identifiers: Orphanet 231108, Orphanet 69077, MedGen C2750074, MONDO:0013224, OMIM 613325.

Submissions (2):

Ambry Genetics
Classification: Uncertain significance for Hereditary cancer-predisposing syndrome. Last evaluated: 2024-11-10. Review status: criteria provided, single submitter. Criteria: Ambry Variant Classification Scheme 2023. Collection method: clinical testing. Allele origin: germline.
Comment: The p.L374V variant (also known as c.1120C>G), located in coding exon 6 of the SMARCA4 gene, results from a C to G substitution at nucleotide position 1120. The leucine at codon 374 is replaced by valine, an amino acid with highly similar properties. This amino acid position is conserved. In addition, this alteration is predicted to be tolerated by in silico analysis. Based on the available evidence, the clinical significance of this variant remains unclear.

Labcorp Genetics (formerly Invitae), Labcorp
Classification: Uncertain significance for Rhabdoid tumor predisposition syndrome 2. Last evaluated: 2022-02-04. Review status: criteria provided, single submitter. Criteria: Invitae Variant Classification Sherloc (09022015). Collection method: clinical testing. Allele origin: germline.
Comment: In summary, the available evidence is currently insufficient to determine the role of this variant in disease. Therefore, it has been classified as a Variant of Uncertain Significance. Algorithms developed to predict the effect of missense changes on protein structure and function are either unavailable or do not agree on the potential impact of this missense change (SIFT: "Deleterious"; PolyPhen-2: "Benign"; Align-GVGD: "Class C25"). This variant has not been reported in the literature in individuals affected with SMARCA4-related conditions. This variant is not present in population databases (gnomAD no frequency). This sequence change replaces leucine, which is neutral and non-polar, with valine, which is neutral and non-polar, at codon 374 of the SMARCA4 protein (p.Leu374Val).